The following is an entry in ClinVar:

NM_020376.4(PNPLA2):c.749A>G (p.Gln250Arg)

Gene: PNPLA2 (patatin like domain 2, triacylglycerol lipase; plus strand). Cytogenetic location: 11p15.5.
Variant type: single nucleotide variant.
Coding change: c.749A>G on transcript NM_020376.4 (MANE Select); coding-DNA position 749, A replaced by G.
Protein change: p.Gln250Arg; replaces glutamine 250 with arginine.
Molecular consequence: missense variant.
Genome position (GRCh38, 1-based): chr11:823,579, A>G. VCF-style: chr11-823579-A-G. GRCh37 (hg19) VCF-style: chr11-823579-A-G.
Other names: short protein forms Q250R.
Identifiers: ClinVar variation 1715791 (VCV001715791.5), dbSNP rs397514625, ClinGen allele CA378980968.

ClinVar aggregate classification (germline): Uncertain significance (1 of 4 stars; one submission).

Conditions:
Neutral lipid storage myopathy (NLSDM). Also called: NEUTRAL LIPID STORAGE DISEASE WITHOUT ICHTHYOSIS. Identifiers: Orphanet 98908, MedGen C1853136, MONDO:0012545, OMIM 610717.

Submission:

Labcorp Genetics (formerly Invitae), Labcorp
Classification: Uncertain significance for Neutral lipid storage myopathy. Last evaluated: 2022-08-09. Review status: criteria provided, single submitter. Criteria: Invitae Variant Classification Sherloc (09022015). Collection method: clinical testing. Allele origin: germline.
Comment: This sequence change replaces glutamine, which is neutral and polar, with arginine, which is basic and polar, at codon 250 of the PNPLA2 protein (p.Gln250Arg). This variant is not present in population databases (gnomAD no frequency). This variant has not been reported in the literature in individuals affected with PNPLA2-related conditions. Algorithms developed to predict the effect of missense changes on protein structure and function output the following: SIFT: "Tolerated"; PolyPhen-2: "Benign"; Align-GVGD: "Class C0". The arginine amino acid residue is found in multiple mammalian species, which suggests that this missense change does not adversely affect protein function. In summary, the available evidence is currently insufficient to determine the role of this variant in disease. Therefore, it has been classified as a Variant of Uncertain Significance.